The following is an entry in ClinVar:

NM_006767.4(LZTR1):c.352dup (p.Arg118fs)

Gene: LZTR1 (leucine zipper like post translational regulator 1; plus strand). Cytogenetic location: 22q11.21.
Variant type: Duplication.
Coding change: c.352dup on transcript NM_006767.4 (MANE Select); coding-DNA position 352, one base duplicated (C; older notation c.352dupC).
Protein change: p.Arg118fs; shifts the reading frame from arginine 118.
Molecular consequence: frameshift variant.
Genome position (GRCh38, 1-based): chr22:20,987,535, C duplicated; the last of 6 consecutive C bases (chr22:20,987,530-20,987,535); duplicating any one gives the same sequence. VCF-style (leftmost placement, unchanged base first): chr22-20987529-G-GC. GRCh37 (hg19) VCF-style: chr22-21341818-G-GC.
Other names: c.352dupC (NM_006767.3); c.352dup (NM_006767.3); short protein forms R118fs.
Identifiers: ClinVar variation 1184916 (VCV001184916.16), dbSNP rs1486960809, ClinGen allele CA638553798.

ClinVar aggregate classification (germline): Pathogenic/Likely pathogenic. Review status: criteria provided, multiple submitters, no conflicts (2 of 4 stars). 8 submissions from 8 submitters: Pathogenic (6); Likely pathogenic (2). Last evaluated 2026-01-06.

Conditions:
Noonan syndrome 2 (NS2). Identifiers: Orphanet 648, MedGen C1854469, MONDO:0011531, OMIM 605275.
Hereditary cancer-predisposing syndrome. Also called: Hereditary neoplastic syndrome; Tumor predisposition; Neoplastic Syndromes, Hereditary; Hereditary Cancer Syndrome. Identifiers: Orphanet 140162, MedGen C0027672, MeSH D009386, MONDO:0015356.
Cardiovascular phenotype. Identifiers: MedGen CN230736.
LZTR1-related disorder. Also called: LZTR1-related disorders; LZTR1-related condition.
LZTR1-related schwannomatosis. Also called: Schwannomatosis-2, susceptibility to; Schwannomatosis 2. Identifiers: Orphanet 93921, MedGen C3810283, MONDO:0014299, OMIM 615670.

Submissions (8):

Labcorp Genetics (formerly Invitae), Labcorp
Classification: Pathogenic. Last evaluated: 2026-01-06. Review status: criteria provided, single submitter. Criteria: Invitae Variant Classification Sherloc (09022015). Collection method: clinical testing. Allele origin: germline.
Comment: This sequence change creates a premature translational stop signal (p.Arg118Profs*28) in the LZTR1 gene. It is expected to result in an absent or disrupted protein product. Loss-of-function variants in LZTR1 are known to be pathogenic (PMID: 24362817, 25335493, 25480913, 25795793, 29469822, 30368668, 30442762, 30442766, 30481304, 30859559). This variant is present in population databases (no rsID available, gnomAD 0.1%). This premature translational stop signal has been observed in individual(s) with LZTR1-related disease (PMID: 25008767, 25335493). This variant is also known as c.347_348insC. ClinVar contains an entry for this variant (Variation ID: 1184916). For these reasons, this variant has been classified as Pathogenic.

GeneDx
Classification: Pathogenic. Last evaluated: 2025-11-23. Review status: criteria provided, single submitter. Criteria: GeneDx Variant Classification Process June 2021. Collection method: clinical testing. Allele origin: germline.
Comment: Observed in individuals with multiple schwannomas (PMID: 25008767, 25335493); Frameshift variant predicted to result in protein truncation or nonsense mediated decay in a gene for which loss of function is a known mechanism of disease; Not observed at significant frequency in large population cohorts (gnomAD); This variant is associated with the following publications: (PMID: 25008767, 25335493)

3billion
Classification: Pathogenic for Noonan syndrome 2. Last evaluated: 2025-05-15. Review status: criteria provided, single submitter. Criteria: ACMG Guidelines, 2015. Collection method: clinical testing. Allele origin: germline. Affected: yes.
Comment: The variant is observed at an extremely low frequency in the gnomAD v4.1.0 dataset (total allele frequency: <0.001%). Predicted Consequence/Location: Frameshift: predicted to result in a loss or disruption of normal protein function through nonsense-mediated decay (NMD) or protein truncation. Multiple pathogenic variants are reported downstream of the variant. The variant has been reported at least twice as pathogenic with clinical assertions and evidence for the classification (ClinVar ID: VCV001184916 /PMID: 25008767). Therefore, this variant is classified as Pathogenic according to the recommendation of ACMG/AMP guideline.

PreventionGenetics, part of Exact Sciences
Classification: Pathogenic for LZTR1-related condition. Last evaluated: 2025-04-23. Review status: criteria provided, single submitter. Criteria: ACMG Guidelines, 2015. Collection method: clinical testing. Allele origin: germline.
Comment: The LZTR1 c.352dupC variant is predicted to result in a frameshift and premature protein termination (p.Arg118Profs*28). The LZTR1 gene sequence variant c.352dupC is predicted to result in a frameshift and premature protein termination (p.Arg118Profs*28). This variant has been reported in individuals with schwannomatosis (referred to as c.347_348insC in Table S3 - Hutter et al 2014. PubMed ID: 25008767; Paganini et al. 2015. PubMed ID: 25335493).  Similar loss of function variants have been reported in patients with autosomal recessive Noonan syndrome (Johnston et al. 2018. PubMed ID: 29469822; Umeki et al. 2019. PubMed ID: 30368668). This variant is reported in 0.12% of alleles in individuals of Latino descent in gnomAD.  This variant is interpreted as likely pathogenic and pathogenic in ClinVar (ClinVar ID: 1184916). Based on the available evidence we consider the LZTR1 c.352dup variant to be pathogenic for autosomal recessive Noonan syndrome and autosomal dominant susceptibility to schwannomatosis. However, this variant is interpreted as uncertain for autosomal dominant Noonan syndrome.

Ambry Genetics
Classification: Pathogenic for Cardiovascular phenotype; Hereditary cancer-predisposing syndrome. Last evaluated: 2024-10-29. Review status: criteria provided, single submitter. Criteria: Ambry Variant Classification Scheme 2023. Collection method: clinical testing. Allele origin: germline.
Comment: The c.352dupC pathogenic mutation, located in coding exon 4 of the LZTR1 gene, results from a duplication of C at nucleotide position 352, causing a translational frameshift with a predicted alternate stop codon (p.R118Pfs*28). This variant has been reported in an individual with schwannomatosis (Paganini I et al. Eur J Hum Genet, 2015 Jul;23:963-8). This alteration is expected to result in loss of function by premature protein truncation or nonsense-mediated mRNA decay. Loss-of-function variants in LZTR1 are related to an increased risk for schwannomas and autosomal recessive Noonan syndrome; however, such associations with autosomal dominant Noonan syndrome have not been observed (Piotrowski A et al. Nat Genet. 2014 Feb;46:182-7; Yamamoto GL et al. J Med Genet. 2015 Jun;52:413-21; Johnston JJ et al. Genet Med. 2018 10;20:1175-1185). Based on the supporting evidence, this variant is pathogenic for an increased risk of LZTR1-related schwannomatosis (SWN) and would be expected to cause autosomal recessive Noonan syndrome when present along with a second pathogenic or likely pathogenic variant on the other allele; however, the association of this alteration with autosomal dominant Noonan syndrome is unlikely.

Baylor Genetics
Classification: Pathogenic for LZTR1-related schwannomatosis. Last evaluated: 2023-06-05. Review status: criteria provided, single submitter. Criteria: ACMG Guidelines, 2015. Collection method: clinical testing. Allele origin: unknown.

Institute of Medical Genetics and Applied Genomics, University Hospital Tübingen
Classification: Likely pathogenic. Last evaluated: 2021-06-17. Review status: criteria provided, single submitter. Criteria: ACMG Guidelines, 2015. Collection method: clinical testing. Allele origin: germline. Inheritance: Autosomal recessive inheritance. Affected: yes.

Juno Genomics, Hangzhou Juno Genomics, Inc
Classification: Likely pathogenic for LZTR1-related schwannomatosis. Review status: criteria provided, single submitter. Criteria: ACMG Guidelines, 2015. Collection method: clinical testing. Allele origin: germline.
Comment: Null variant in a gene where loss of function (LOF) is a known mechanism of disease.;Absent from controls (or at extremely low frequency if recessive) in Genome Aggregation Database.

Literature cited by the submitters: PubMed 24362817 (cited by Labcorp Genetics (formerly Invitae), Labcorp); PubMed 25335493 (cited by Labcorp Genetics (formerly Invitae), Labcorp and Ambry Genetics); PubMed 25480913 (cited by Labcorp Genetics (formerly Invitae), Labcorp); PubMed 25795793 (cited by Labcorp Genetics (formerly Invitae), Labcorp); PubMed 29469822 (cited by Labcorp Genetics (formerly Invitae), Labcorp); PubMed 30368668 (cited by Labcorp Genetics (formerly Invitae), Labcorp); PubMed 30442762 (cited by Labcorp Genetics (formerly Invitae), Labcorp); PubMed 30442766 (cited by Labcorp Genetics (formerly Invitae), Labcorp); PubMed 30481304 (cited by Labcorp Genetics (formerly Invitae), Labcorp); PubMed 30859559 (cited by Labcorp Genetics (formerly Invitae), Labcorp); PubMed 25008767 (cited by Labcorp Genetics (formerly Invitae), Labcorp and 3billion).